The following is an entry in ClinVar:

NM_001148.6(ANK2):c.270G>T (p.Val90=)

Gene: ANK2 (ankyrin 2; plus strand). Cytogenetic location: 4q25.
Variant type: single nucleotide variant.
Coding change: c.270G>T on transcript NM_001148.6 (MANE Select); coding-DNA position 270, G replaced by T.
Protein change: p.Val90=; no amino-acid change (valine 90 retained).
Molecular consequence: synonymous variant.
Genome position (GRCh38, 1-based): chr4:113,196,451, G>T. VCF-style: chr4-113196451-G-T. GRCh37 (hg19) VCF-style: chr4-114117607-G-T.
Other names: c.207G>T, p.Val69= (NM_001127493.3, NM_001354239.2, NM_001354243.2 and 33 more transcripts); c.270G>T, p.Val90= (NM_001354225.2, NM_001354228.2, NM_001354232.2 and 9 more transcripts); c.315G>T, p.Val105= (NM_001354230.2, NM_001354231.2, NM_001354237.2 and 5 more transcripts); c.252G>T, p.Val84= (NM_001354261.2, NM_001386147.1, NM_001386160.1); c.258G>T, p.Val86= (NM_001354269.3, NM_001386148.2, NM_001386186.2 and 1 more transcripts); c.321G>T, p.Val107= (NM_001386174.1, NM_001386175.1).
Identifiers: ClinVar variation 519244 (VCV000519244.51), dbSNP rs376457094, ClinGen allele CA3049975.

ClinVar aggregate classification (germline): Benign/Likely benign. Review status: criteria provided, multiple submitters, no conflicts (2 of 4 stars). 9 submissions from 9 submitters: Benign (2); Likely benign (7). Last evaluated 2025-10-19.

Conditions:
Cardiovascular phenotype. Identifiers: MedGen CN230736.
Cardiac arrhythmia, ankyrin-B-related. Also called: ANKYRIN-B SYNDROME. Identifiers: Orphanet 101016, Orphanet 768, MedGen C1970119, MONDO:0010958, OMIM 600919.
Long QT syndrome (LQTS). Identifiers: MedGen C0023976, MeSH D008133, MONDO:0002442. Disease mechanism: loss of function. Inheritance: Various modes of inheritance.
ANK2-related disorder. Also called: ANK2-related condition.

Allele frequency attached by ClinVar (database versions not stated): gnomAD 0.00016 and 0.00017; ExAC 0.00018; TOPMed 0.00018; ESP Exome Variant Server 0.00031.
gnomAD v4.1: 229 of 1,613,114 alleles (0.014%); highest among the groups gnomAD compares: South Asian, 0.042%; 1 homozygote.

Submissions (9):

Labcorp Genetics (formerly Invitae), Labcorp
Classification: Likely benign for Long QT syndrome. Last evaluated: 2025-10-19. Review status: criteria provided, single submitter. Criteria: Invitae Variant Classification Sherloc (09022015). Collection method: clinical testing. Allele origin: germline.

CeGaT Center for Human Genetics Tuebingen
Classification: Likely benign. Last evaluated: 2025-09-01. Review status: criteria provided, single submitter. Criteria: CeGaT Center For Human Genetics Tuebingen Variant Classification Criteria Version 2. Collection method: clinical testing. Allele origin: germline. Affected: yes. Observed: 3 variant alleles.
Comment: ANK2: BP4, BP7

Laboratory of Genetics, Children's Clinical University Hospital Latvia
Classification: Likely benign. Last evaluated: 2025-02-16. Review status: criteria provided, single submitter. Criteria: ACMG Guidelines, 2015. Collection method: clinical testing. Allele origin: germline. Affected: yes.

Blueprint Genetics
Classification: Likely benign. Last evaluated: 2024-10-10. Review status: criteria provided, single submitter. Criteria: ACMG Guidelines, 2015. Collection method: clinical testing. Allele origin: germline.

PreventionGenetics, part of Exact Sciences
Classification: Likely benign for ANK2-related condition. Last evaluated: 2024-10-07. Review status: criteria provided, single submitter. Criteria: ACMG Guidelines, 2015. Collection method: clinical testing. Allele origin: germline.
Comment: This variant is classified as likely benign based on ACMG/AMP sequence variant interpretation guidelines (Richards et al. 2015 PMID: 25741868, with internal and published modifications).

Genome-Nilou Lab
Classification: Benign for Cardiac arrhythmia, ankyrin-B-related. Last evaluated: 2021-12-05. Review status: criteria provided, single submitter. Criteria: ACMG Guidelines, 2015. Collection method: clinical testing. Allele origin: germline. Affected: no.

ARUP Laboratories, Molecular Genetics and Genomics, ARUP Laboratories
Classification: Likely benign. Last evaluated: 2019-08-01. Review status: criteria provided, single submitter. Criteria: ARUP Molecular Germline Variant Investigation Process. Collection method: clinical testing. Allele origin: germline.

Ambry Genetics
Classification: Likely benign for Cardiovascular phenotype. Last evaluated: 2016-06-02. Review status: criteria provided, single submitter. Criteria: Ambry Variant Classification Scheme 2023. Collection method: clinical testing. Allele origin: germline.

GeneDx
Classification: Benign. Last evaluated: 2015-03-03. Review status: criteria provided, single submitter. Criteria: GeneDx Variant Classification Process June 2021. Collection method: clinical testing. Allele origin: germline. Affected: yes.